The following is an entry in ClinVar:

ClinVar aggregate classification (germline): Likely benign. Review status: criteria provided, multiple submitters, no conflicts (2 of 4 stars). 3 submissions from 3 submitters: Likely benign (3). Last evaluated 2025-10-23.

Conditions:
PDZD7-related disorder. Also called: PDZD7-related condition; PDZD7-related disorders.

Allele frequency attached by ClinVar (database versions not stated): TOPMed 0.00021; gnomAD exomes 0.00022; 1000 Genomes Project 0.00080.
gnomAD v4.1: 85 of 1,492,050 alleles (0.0057%); highest among the groups gnomAD compares: East Asian, 0.16%; no homozygotes.

Submissions (3):

Labcorp Genetics (formerly Invitae), Labcorp
Classification: Likely benign. Last evaluated: 2025-10-23. Review status: criteria provided, single submitter. Criteria: Invitae Variant Classification Sherloc (09022015). Collection method: clinical testing. Allele origin: germline.

PreventionGenetics, part of Exact Sciences
Classification: Likely benign for PDZD7-related condition. Last evaluated: 2025-06-21. Review status: criteria provided, single submitter. Criteria: ACMG Guidelines, 2015. Collection method: clinical testing. Allele origin: germline.
Comment: This variant is classified as likely benign based on ACMG/AMP sequence variant interpretation guidelines (Richards et al. 2015 PMID: 25741868, with internal and published modifications).

Blueprint Genetics
Classification: Likely benign. Last evaluated: 2024-08-30. Review status: criteria provided, single submitter. Criteria: ACMG Guidelines, 2015. Collection method: clinical testing. Allele origin: germline.

NM_001195263.2(PDZD7):c.2329C>T (p.Arg777Cys)

Gene: PDZD7 (PDZ domain containing 7; minus strand). Cytogenetic location: 10q24.31.
Variant type: single nucleotide variant.
Coding change: c.2329C>T on transcript NM_001195263.2 (MANE Select); coding-DNA position 2329, C replaced by T.
Protein change: p.Arg777Cys; replaces arginine 777 with cysteine.
Molecular consequence: missense variant.
Genome position (GRCh38, 1-based): chr10:101,010,560, G>A on the plus strand (C>T on the coding strand, the complement: PDZD7 is on the minus strand). VCF-style: chr10-101010560-G-A. GRCh37 (hg19) VCF-style: chr10-102770317-G-A.
Other names: c.2329C>T (NM_001195263.1); short protein forms R777C.
Identifiers: ClinVar variation 1134469 (VCV001134469.11), dbSNP rs531733507, ClinGen allele CA5653983.